The following is an entry in ClinVar:

ClinVar aggregate classification (germline): Uncertain significance. Review status: criteria provided, multiple submitters, no conflicts (2 of 4 stars). 2 submissions from 2 submitters: Uncertain significance (2). Last evaluated 2026-07-06.

Conditions:
Cardiovascular phenotype. Identifiers: MedGen CN230736.

gnomAD v4.1: 6 of 1,614,024 alleles (0.00037%); highest among the groups gnomAD compares: Non-Finnish European, 0.00042%; no homozygotes.

Submissions (2):

Ambry Genetics
Classification: Uncertain significance for Cardiovascular phenotype. Last evaluated: 2026-07-06. Review status: criteria provided, single submitter. Criteria: Ambry Variant Classification Scheme 2023. Collection method: clinical testing. Allele origin: germline.
Comment: The p.D2690G variant (also known as c.8069A>G), located in coding exon 26 of the APOB gene, results from an A to G substitution at nucleotide position 8069. The aspartic acid at codon 2690 is replaced by glycine, an amino acid with similar properties. This amino acid position is conserved. In addition, this alteration is predicted to be tolerated by in silico analysis. Based on the available evidence, the clinical significance of this variant remains unclear.

Quest Diagnostics Nichols Institute San Juan Capistrano
Classification: Uncertain significance. Last evaluated: 2023-11-06. Review status: criteria provided, single submitter. Criteria: Quest Diagnostics criteria. Collection method: clinical testing. Allele origin: unknown.
Comment: The APOB c.8069A>G (p.Asp2690Gly) variant has not been reported in individuals with APOB-related conditions in the published literature. It also has not been reported in large, multi-ethnic general populations (Genome Aggregation Database). Analysis of this variant using bioinformatics tools for the prediction of the effect of amino acid changes on protein structure and function yielded predictions that this variant is benign. Based on the available information, we are unable to determine the clinical significance of this variant.

NM_000384.3(APOB):c.8069A>G (p.Asp2690Gly)

Gene: APOB (apolipoprotein B; minus strand). Cytogenetic location: 2p24.1.
Variant type: single nucleotide variant.
Coding change: c.8069A>G on transcript NM_000384.3 (MANE Select); coding-DNA position 8069, A replaced by G.
Protein change: p.Asp2690Gly; replaces aspartic acid 2690 with glycine.
Molecular consequence: missense variant.
Genome position (GRCh38, 1-based): chr2:21,008,799, T>C on the plus strand (A>G on the coding strand, the complement: APOB is on the minus strand). VCF-style: chr2-21008799-T-C. GRCh37 (hg19) VCF-style: chr2-21231671-T-C.
Other names: short protein forms D2690G.
Identifiers: ClinVar variation 3572077 (VCV003572077.2).